The following is an entry in ClinVar:

NM_213599.3(ANO5):c.879_880delinsTT (p.Lys293_Asn294delinsAsnTyr)

Gene: ANO5 (anoctamin 5; plus strand). Cytogenetic location: 11p14.3.
Variant type: Indel.
Coding change: c.879_880delinsTT on transcript NM_213599.3 (MANE Select); coding-DNA positions 879 to 880, GA replaced by TT.
Protein change: p.Lys293_Asn294delinsAsnTyr.
Molecular consequence: missense variant.
Genome position (GRCh38, 1-based): chr11:22,250,237-22,250,238, GA replaced by TT. VCF-style: chr11-22250237-GA-TT. GRCh37 (hg19) VCF-style: chr11-22271783-GA-TT.
Other names: c.876_877delinsTT, p.Lys292_Asn293delinsAsnTyr (NM_001142649.2); c.837_838delinsTT, p.Lys279_Asn280delinsAsnTyr (NM_001410963.1, NM_001441300.1); c.834_835delinsTT, p.Lys278_Asn279delinsAsnTyr (NM_001410964.1, NM_001441301.1); c.801_802delinsTT, p.Lys267_Asn268delinsAsnTyr (NM_001441294.1); c.798_799delinsTT, p.Lys266_Asn267delinsAsnTyr (NM_001441295.1); c.786_787delinsTT, p.Lys262_Asn263delinsAsnTyr (NM_001441296.1, NM_001441302.1); c.759_760delinsTT, p.Lys253_Asn254delinsAsnTyr (NM_001441297.1); c.723_724delinsTT, p.Lys241_Asn242delinsAsnTyr (NM_001441298.1); and 1 more.
Identifiers: ClinVar variation 4785666 (VCV004785666.1).

ClinVar aggregate classification (germline): Uncertain significance (1 of 4 stars; one submission).

Conditions:
Gnathodiaphyseal dysplasia (GDD). Also called: GNATHODIAPHYSEAL SCLEROSIS; OSTEOGENESIS IMPERFECTA WITH UNUSUAL SKELETAL LESIONS. Identifiers: Orphanet 53697, MedGen C1833736, MONDO:0008151, OMIM 166260.
Autosomal recessive limb-girdle muscular dystrophy type 2L (LGMDR12). Also called: Limb-girdle muscular dystrophy, type 2L; MUSCULAR DYSTROPHY, LIMB-GIRDLE, AUTOSOMAL RECESSIVE 12; Limb-Girdle Muscular Dystrophy R12 Anoctamin-5-Related (LGMD-R12). Identifiers: Orphanet 206549, MedGen C1969785, MONDO:0012652, OMIM 611307.

Submission:

Labcorp Genetics (formerly Invitae), Labcorp
Classification: Uncertain significance for Autosomal recessive limb-girdle muscular dystrophy type 2L; Gnathodiaphyseal dysplasia. Last evaluated: 2025-07-23. Review status: criteria provided, single submitter. Criteria: Invitae Variant Classification Sherloc (09022015). Collection method: clinical testing. Allele origin: germline.
Comment: This variant, c.879_880delinsTT, is a complex sequence change that results in the deletion of 2 and insertion of 2 amino acid(s) in the ANO5 protein (p.Lys293_Asn294delinsAsnTyr). Information on the frequency of this variant in the gnomAD database is not available, as this variant may be reported differently in the database. This variant has not been reported in the literature in individuals affected with ANO5-related conditions. Experimental studies and prediction algorithms are not available or were not evaluated, and the functional significance of this variant is currently unknown. In summary, the available evidence is currently insufficient to determine the role of this variant in disease. Therefore, it has been classified as a Variant of Uncertain Significance.